The following is an entry in ClinVar:

NM_004204.5(PIGQ):c.832A>G (p.Thr278Ala)

Gene: PIGQ (phosphatidylinositol glycan anchor biosynthesis class Q; plus strand). Cytogenetic location: 16p13.3.
Variant type: single nucleotide variant.
Coding change: c.832A>G on transcript NM_004204.5 (MANE Select); coding-DNA position 832, A replaced by G.
Protein change: p.Thr278Ala; replaces threonine 278 with alanine.
Molecular consequence: missense variant.
Genome position (GRCh38, 1-based): chr16:576,144, A>G. VCF-style: chr16-576144-A-G. GRCh37 (hg19) VCF-style: chr16-626144-A-G.
Other names: c.832A>G, p.Thr278Ala (NM_148920.4); short protein forms T278A.
Identifiers: ClinVar variation 650673 (VCV000650673.8), dbSNP rs1596383861, ClinGen allele CA394052408.

ClinVar aggregate classification (germline): Uncertain significance (1 of 4 stars; one submission).

Conditions:
Epilepsy. Also called: Seizure disorder. Identifiers: MedGen C0014544, MeSH D004827, MONDO:0005027.

Submission:

Labcorp Genetics (formerly Invitae), Labcorp
Classification: Uncertain significance for Epilepsy. Last evaluated: 2022-02-05. Review status: criteria provided, single submitter. Criteria: Invitae Variant Classification Sherloc (09022015). Collection method: clinical testing. Allele origin: germline.
Comment: This sequence change replaces threonine, which is neutral and polar, with alanine, which is neutral and non-polar, at codon 278 of the PIGQ protein (p.Thr278Ala). This variant is not present in population databases (gnomAD no frequency). In summary, the available evidence is currently insufficient to determine the role of this variant in disease. Therefore, it has been classified as a Variant of Uncertain Significance. Algorithms developed to predict the effect of missense changes on protein structure and function (SIFT, PolyPhen-2, Align-GVGD) all suggest that this variant is likely to be tolerated. ClinVar contains an entry for this variant (Variation ID: 650673). This variant has not been reported in the literature in individuals affected with PIGQ-related conditions.